The following is an entry in ClinVar:

NM_007129.5(ZIC2):c.433G>A (p.Gly145Ser)

Gene: ZIC2 (Zic family zinc finger 2; plus strand). Cytogenetic location: 13q32.3.
Variant type: single nucleotide variant.
Coding change: c.433G>A on transcript NM_007129.5 (MANE Select); coding-DNA position 433, G replaced by A.
Protein change: p.Gly145Ser; replaces glycine 145 with serine.
Molecular consequence: missense variant.
Genome position (GRCh38, 1-based): chr13:99,982,497, G>A. VCF-style: chr13-99982497-G-A. GRCh37 (hg19) VCF-style: chr13-100634751-G-A.
Other names: short protein forms G145S.
Identifiers: ClinVar variation 3655003 (VCV003655003.2).

ClinVar aggregate classification (germline): Uncertain significance (1 of 4 stars; one submission).

Conditions:
Holoprosencephaly 5 (HPE5). Identifiers: Orphanet 2162, MedGen C1864827, MONDO:0012322, OMIM 609637.

Submission:

Labcorp Genetics (formerly Invitae), Labcorp
Classification: Uncertain significance for Holoprosencephaly 5. Last evaluated: 2024-06-04. Review status: criteria provided, single submitter. Criteria: Invitae Variant Classification Sherloc (09022015). Collection method: clinical testing. Allele origin: germline.
Comment: This sequence change replaces glycine, which is neutral and non-polar, with serine, which is neutral and polar, at codon 145 of the ZIC2 protein (p.Gly145Ser). This variant is not present in population databases (gnomAD no frequency). This variant has not been reported in the literature in individuals affected with ZIC2-related conditions. Advanced modeling of protein sequence and biophysical properties (such as structural, functional, and spatial information, amino acid conservation, physicochemical variation, residue mobility, and thermodynamic stability) performed at Invitae indicates that this missense variant is not expected to disrupt ZIC2 protein function with a negative predictive value of 80%. In summary, the available evidence is currently insufficient to determine the role of this variant in disease. Therefore, it has been classified as a Variant of Uncertain Significance.